The following is an entry in ClinVar:

ClinVar aggregate classification (germline): Likely pathogenic (1 of 4 stars; one submission).

Conditions:
Argininosuccinate lyase deficiency. Also called: ARGININOSUCCINIC ACID LYASE DEFICIENCY; ASL DEFICIENCY; Argininosuccinic aciduria. Identifiers: Orphanet 23, MedGen C0268547, MONDO:0008815, OMIM 207900, HP:0025630.

Allele frequency attached by ClinVar (database versions not stated): gnomAD exomes below 0.00001.
gnomAD v4.1: 1 of 1,610,308 alleles (0.000062%); highest among the groups gnomAD compares: African/African-American, 0.0013%; no homozygotes.

Submission:

Labcorp Genetics (formerly Invitae), Labcorp
Classification: Likely pathogenic for Argininosuccinate lyase deficiency. Last evaluated: 2022-05-05. Review status: criteria provided, single submitter. Criteria: Invitae Variant Classification Sherloc (09022015). Collection method: clinical testing. Allele origin: germline.
Comment: In summary, the currently available evidence indicates that the variant is pathogenic, but additional data are needed to prove that conclusively. Therefore, this variant has been classified as Likely Pathogenic. Advanced modeling of protein sequence and biophysical properties (such as structural, functional, and spatial information, amino acid conservation, physicochemical variation, residue mobility, and thermodynamic stability) performed at Invitae indicates that this missense variant is expected to disrupt ASL protein function. This missense change has been observed in individual(s) with argininosuccinate lyase deficiency (Invitae). This variant is not present in population databases (gnomAD no frequency). This sequence change replaces leucine, which is neutral and non-polar, with proline, which is neutral and non-polar, at codon 311 of the ASL protein (p.Leu311Pro).

NM_000048.4(ASL):c.932T>C (p.Leu311Pro)

Gene: ASL (argininosuccinate lyase; plus strand). Cytogenetic location: 7q11.21.
Variant type: single nucleotide variant.
Coding change: c.932T>C on transcript NM_000048.4 (MANE Select); coding-DNA position 932, T replaced by C.
Protein change: p.Leu311Pro; replaces leucine 311 with proline.
Molecular consequence: missense variant. On other transcripts: intron variant (1).
Genome position (GRCh38, 1-based): chr7:66,089,289, T>C. VCF-style: chr7-66089289-T-C. GRCh37 (hg19) VCF-style: chr7-65554276-T-C.
Other names: c.932T>C, p.Leu311Pro (NM_001024943.2); c.854T>C, p.Leu285Pro (NM_001024946.2); c.918+114T>C (NM_001024944.2); short protein forms L311P, L285P.
Identifiers: ClinVar variation 2160276 (VCV002160276.4), dbSNP rs2485019558, ClinGen allele CA367646183.